The following is an entry in ClinVar:

NM_004793.4(LONP1):c.1897G>A (p.Val633Met)

Gene: LONP1 (lon peptidase 1, mitochondrial; minus strand). Cytogenetic location: 19p13.3.
Variant type: single nucleotide variant.
Coding change: c.1897G>A on transcript NM_004793.4 (MANE Select); coding-DNA position 1897, G replaced by A.
Protein change: p.Val633Met; replaces valine 633 with methionine.
Molecular consequence: missense variant. On other transcripts: non-coding transcript variant (1).
Genome position (GRCh38, 1-based): chr19:5,696,170, C>T on the plus strand (G>A on the coding strand, the complement: LONP1 is on the minus strand). VCF-style: chr19-5696170-C-T. GRCh37 (hg19) VCF-style: chr19-5696181-C-T.
Other names: p.Val633Met; c.1705G>A, p.Val569Met (NM_001276479.2); c.1309G>A, p.Val437Met (NM_001276480.1); short protein forms V437M, V569M, V633M.
Identifiers: ClinVar variation 4528908 (VCV004528908.1).

ClinVar aggregate classification (germline): Uncertain significance (1 of 4 stars; one submission).

Conditions:
CODAS syndrome. Also called: CEREBRAL, OCULAR, DENTAL, AURICULAR, AND SKELETAL ANOMALIES SYNDROME. Identifiers: Orphanet 1458, MedGen C1838180, MONDO:0010879, OMIM 600373.

Submission:

Department of Molecular Genetics, Istishari Arab Hospital
Classification: Uncertain significance for CODAS syndrome. Last evaluated: 2025-11-13. Review status: criteria provided, single submitter. Criteria: ACMG Guidelines, 2015. Collection method: clinical testing. Allele origin: germline. Inheritance: Autosomal recessive inheritance. Affected: yes.
Comment: The LONP1 variant c.1897G>A, p.Val633Met creates an amino acid change from Val to Met at position 633. This variant is observed with very low frequency in the gnomAD v4.1.0 dataset (<0.001) and has not been previously described in the literature. It is classified as a variant of uncertain significance (class 3) according to the recommendations of ACMG/AMP/ClinGen SVI guidelines.